The following is an entry in ClinVar:

NM_001018113.3(FANCB):c.554G>T (p.Gly185Val)

Gene: FANCB (FA complementation group B; minus strand). Cytogenetic location: Xp22.2.
Variant type: single nucleotide variant.
Coding change: c.554G>T on transcript NM_001018113.3 (MANE Select); coding-DNA position 554, G replaced by T.
Protein change: p.Gly185Val; replaces glycine 185 with valine.
Molecular consequence: missense variant.
Genome position (GRCh38, 1-based): chrX:14,864,957, C>A on the plus strand (G>T on the coding strand, the complement: FANCB is on the minus strand). VCF-style: chrX-14864957-C-A. GRCh37 (hg19) VCF-style: chrX-14883079-C-A.
Other names: c.554G>T, p.Gly185Val (NM_001324162.2, NM_001410764.1, NM_152633.4); short protein forms G185V.
Identifiers: ClinVar variation 2141448 (VCV002141448.4), dbSNP rs776636177, ClinGen allele CA10353192.

ClinVar aggregate classification (germline): Uncertain significance (1 of 4 stars; one submission).

Conditions:
Fanconi anemia (FA). Also called: Fanconi's anemia. Identifiers: Orphanet 84, MedGen C0015625, MeSH D005199, MONDO:0019391.

Allele frequency attached by ClinVar (database versions not stated): gnomAD exomes 0.00001; ExAC 0.00002.
gnomAD v4.1: 4 of 1,210,966 alleles (0.00033%); highest among the groups gnomAD compares: Admixed American, 0.0022%; no homozygotes.

Submissions (2):

Labcorp Genetics (formerly Invitae), Labcorp
Classification: Uncertain significance for Fanconi anemia. Last evaluated: 2024-07-11. Review status: criteria provided, single submitter. Criteria: Invitae Variant Classification Sherloc (09022015). Collection method: clinical testing. Allele origin: germline.
Comment: This sequence change replaces glycine, which is neutral and non-polar, with valine, which is neutral and non-polar, at codon 185 of the FANCB protein (p.Gly185Val). This variant is present in population databases (rs776636177, gnomAD 0.004%), including at least one homozygous and/or hemizygous individual. This variant has not been reported in the literature in individuals affected with FANCB-related conditions. ClinVar contains an entry for this variant (Variation ID: 2141448). Advanced modeling of protein sequence and biophysical properties (such as structural, functional, and spatial information, amino acid conservation, physicochemical variation, residue mobility, and thermodynamic stability) performed at Invitae indicates that this missense variant is expected to disrupt FANCB protein function with a positive predictive value of 80%. In summary, the available evidence is currently insufficient to determine the role of this variant in disease. Therefore, it has been classified as a Variant of Uncertain Significance.

Dr. Peter K. Rogan Lab, Western University
No classification provided (evidence only). Condition: Thyroid cancer, nonmedullary, 1. Review status: no classification provided. Collection method: in vitro. Allele origin: not applicable. Functional consequence: retained intron. Not counted in ClinVar's aggregate classification.